The following is an entry in ClinVar:

ClinVar aggregate classification (germline): Uncertain significance (1 of 4 stars; one submission).

Conditions:
Familial infantile myasthenia (CMS6). Also called: Congenital myasthenic syndrome type 6; MYASTHENIC SYNDROME, CONGENITAL, 6, PRESYNAPTIC; MYASTHENIC SYNDROME, PRESYNAPTIC, CONGENITAL, ASSOCIATED WITH EPISODIC APNEA. Identifiers: Orphanet 590, MedGen C0393929, MONDO:0009689, OMIM 254210.

Allele frequency attached by ClinVar (database versions not stated): gnomAD 0.00001; TOPMed 0.00002; ExAC 0.00004; gnomAD exomes 0.00004.
gnomAD v4.1: 56 of 1,614,018 alleles (0.0035%); highest among the groups gnomAD compares: East Asian, 0.0067%; no homozygotes.

Submission:

Labcorp Genetics (formerly Invitae), Labcorp
Classification: Uncertain significance for Familial infantile myasthenia. Last evaluated: 2024-04-10. Review status: criteria provided, single submitter. Criteria: Invitae Variant Classification Sherloc (09022015). Collection method: clinical testing. Allele origin: germline.
Comment: This sequence change replaces glutamic acid, which is acidic and polar, with lysine, which is basic and polar, at codon 343 of the CHAT protein (p.Glu343Lys). This variant is present in population databases (rs778837182, gnomAD 0.02%). This variant has not been reported in the literature in individuals affected with CHAT-related conditions. ClinVar contains an entry for this variant (Variation ID: 1010345). Advanced modeling of protein sequence and biophysical properties (such as structural, functional, and spatial information, amino acid conservation, physicochemical variation, residue mobility, and thermodynamic stability) performed at Invitae indicates that this missense variant is not expected to disrupt CHAT protein function with a negative predictive value of 95%. In summary, the available evidence is currently insufficient to determine the role of this variant in disease. Therefore, it has been classified as a Variant of Uncertain Significance.

NM_020549.5(CHAT):c.1027G>A (p.Glu343Lys)

Gene: CHAT (choline O-acetyltransferase; plus strand). Cytogenetic location: 10q11.23.
Variant type: single nucleotide variant.
Coding change: c.1027G>A on transcript NM_020549.5 (MANE Select); coding-DNA position 1027, G replaced by A.
Protein change: p.Glu343Lys; replaces glutamic acid 343 with lysine.
Molecular consequence: missense variant.
Genome position (GRCh38, 1-based): chr10:49,627,701, G>A. VCF-style: chr10-49627701-G-A. GRCh37 (hg19) VCF-style: chr10-50835747-G-A.
Other names: c.673G>A, p.Glu225Lys (NM_001142929.2, NM_001142934.2, NM_020984.4 and 2 more transcripts); c.781G>A, p.Glu261Lys (NM_001142933.2); short protein forms E225K, E261K, E343K.
Identifiers: ClinVar variation 1010345 (VCV001010345.7), dbSNP rs778837182, ClinGen allele CA5497334.
Genomic context (GRCh38, chr10:49,627,701, plus strand): 5'-CGTCTCAGTGAGGGGGATCTGTTCACTCAGTTGAGAAAGATAGTCAAAATGGCTTCCAAC[G>A]AGGACGAGCGTTTGCCTCCAATTGGCCTGCTGACGTCTGACGGGAGGAGCGAGTGGGCCG-3'
Protein context (NP_065574.4, residues 333-353): LRKIVKMASN[Glu343Lys]DERLPPIGLL